The following is an entry in ClinVar:

ClinVar aggregate classification (germline): Likely benign (0 of 4 stars; one submission).

Conditions:
RPH3A-related condition.

gnomAD v4.1: 3,140 of 1,604,902 alleles (0.2%); highest among the groups gnomAD compares: Non-Finnish European, 0.24%; 7 homozygotes.

Submission:

PreventionGenetics, part of Exact Sciences
Classification: Likely benign for RPH3A-related condition. Last evaluated: 2024-07-30. Review status: no assertion criteria provided. Collection method: clinical testing. Allele origin: germline.
Comment: This variant is classified as likely benign based on ACMG/AMP sequence variant interpretation guidelines (Richards et al. 2015 PMID: 25741868, with internal and published modifications).

NM_001143854.2(RPH3A):c.861G>A (p.Ala287=)

Gene: RPH3A (rabphilin 3A; plus strand). Cytogenetic location: 12q24.13.
Variant type: single nucleotide variant.
Coding change: c.861G>A on transcript NM_001143854.2 (MANE Select); coding-DNA position 861, G replaced by A.
Protein change: p.Ala287=; no amino-acid change (alanine 287 retained).
Molecular consequence: synonymous variant. On other transcripts: non-coding transcript variant (2).
Genome position (GRCh38, 1-based): chr12:112,875,148, G>A. VCF-style: chr12-112875148-G-A. GRCh37 (hg19) VCF-style: chr12-113312953-G-A.
Other names: c.861G>A, p.Ala287= (NM_001347952.2, NM_001347953.1, NM_001347954.2); c.660G>A, p.Ala220= (NM_001347955.2); c.849G>A, p.Ala283= (NM_014954.4).
Identifiers: ClinVar variation 3353998 (VCV003353998.1).